The following is an entry in ClinVar:

NM_001018113.3(FANCB):c.508A>G (p.Ile170Val)

Gene: FANCB (FA complementation group B; minus strand). Cytogenetic location: Xp22.2.
Variant type: single nucleotide variant.
Coding change: c.508A>G on transcript NM_001018113.3 (MANE Select); coding-DNA position 508, A replaced by G.
Protein change: p.Ile170Val; replaces isoleucine 170 with valine.
Molecular consequence: missense variant.
Genome position (GRCh38, 1-based): chrX:14,865,003, T>C on the plus strand (A>G on the coding strand, the complement: FANCB is on the minus strand). VCF-style: chrX-14865003-T-C. GRCh37 (hg19) VCF-style: chrX-14883125-T-C.
Other names: c.508A>G, p.Ile170Val (NM_001324162.2, NM_152633.4); short protein forms I170V.
Identifiers: ClinVar variation 954753 (VCV000954753.7), dbSNP rs138251388, ClinGen allele CA10353197.
Genomic context (GRCh38, chrX:14,865,003, plus strand): 5'-AACATTCCTTTAGTCCCAATAAAACCATACCTAAATTTTCAATCTCCCCTGCCCACTGAA[T>C]AGAGGAAAAGTTACCTGACACACTAACAACTTTGCCAGTTTGAGAAGAGATAAAGAAGAA-3'
Protein context (NP_001018123.1, residues 160-180): VVSVSGNFSS[Ile170Val]QWAGEIENLG

ClinVar aggregate classification (germline): Uncertain significance. Review status: criteria provided, multiple submitters, no conflicts (2 of 4 stars). 2 submissions from 2 submitters: Uncertain significance (2). Last evaluated 2022-04-13.

Conditions:
Fanconi anemia (FA). Also called: Fanconi's anemia. Identifiers: Orphanet 84, MedGen C0015625, MeSH D005199, MONDO:0019391.

Allele frequency attached by ClinVar (database versions not stated): TOPMed 0.00001.
gnomAD v4.1: 9 of 1,208,941 alleles (0.00074%); highest among the groups gnomAD compares: Non-Finnish European, 0.001%; no homozygotes.

Submissions (2):

Labcorp Genetics (formerly Invitae), Labcorp
Classification: Uncertain significance for Fanconi anemia. Last evaluated: 2022-04-13. Review status: criteria provided, single submitter. Criteria: Invitae Variant Classification Sherloc (09022015). Collection method: clinical testing. Allele origin: germline.
Comment: This sequence change replaces isoleucine, which is neutral and non-polar, with valine, which is neutral and non-polar, at codon 170 of the FANCB protein (p.Ile170Val). This variant is present in population databases (rs138251388, gnomAD 0.001%). This variant has not been reported in the literature in individuals affected with FANCB-related conditions. ClinVar contains an entry for this variant (Variation ID: 954753). Algorithms developed to predict the effect of missense changes on protein structure and function output the following: SIFT: "Tolerated"; PolyPhen-2: "Benign"; Align-GVGD: "Class C0". The valine amino acid residue is found in multiple mammalian species, which suggests that this missense change does not adversely affect protein function. In summary, the available evidence is currently insufficient to determine the role of this variant in disease. Therefore, it has been classified as a Variant of Uncertain Significance.

Sema4
Classification: Uncertain significance for Fanconi anemia. Last evaluated: 2021-06-03. Review status: criteria provided, single submitter. Criteria: Sema4 Curation Guidelines. Collection method: curation. Allele origin: germline.
Comment: The FANCB c.508A>G (p.I170V) variant has not been reported in the literature to our knowledge. It was observed in 2/92440 chromosomes in the Non-Finnish European subpopulation in the large and broad cohorts of the Genome Aggregation Database (PMID: 32461654). The variant has been reported in ClinVar (Variation ID: 954753). In silico tools suggest the impact of the variant on protein function is benign, though these predictions have not been confirmed by functional studies. The evidence is insufficient to meet ACMG/AMP criteria for classifying the variant as benign or pathogenic. Thus, the clinical significance of this variant is currently uncertain.